The following is an entry in ClinVar:

ClinVar aggregate classification (germline): Likely benign. Review status: criteria provided, multiple submitters, no conflicts (2 of 4 stars). 2 submissions from 2 submitters: Likely benign (2). Last evaluated 2025-12-16.

Conditions:
Long QT syndrome (LQTS). Identifiers: MedGen C0023976, MeSH D008133, MONDO:0002442. Disease mechanism: loss of function. Inheritance: Various modes of inheritance.

Allele frequency attached by ClinVar (database versions not stated): gnomAD exomes 0.00001; TOPMed 0.00001; gnomAD 0.00001.
gnomAD v4.1: 8 of 1,605,274 alleles (0.0005%); highest among the groups gnomAD compares: Non-Finnish European, 0.00068%; no homozygotes.

Submissions (2):

Labcorp Genetics (formerly Invitae), Labcorp
Classification: Likely benign for Long QT syndrome. Last evaluated: 2025-12-16. Review status: criteria provided, single submitter. Criteria: Invitae Variant Classification Sherloc (09022015). Collection method: clinical testing. Allele origin: germline.

GeneDx
Classification: Likely benign. Last evaluated: 2020-05-01. Review status: criteria provided, single submitter. Criteria: GeneDx Variant Classification Process June 2021. Collection method: clinical testing. Allele origin: germline. Affected: yes.
Comment: See Variant Classification Assertion Criteria.

NM_000719.7(CACNA1C):c.2225-8A>C

Gene: CACNA1C (calcium voltage-gated channel subunit alpha1 C; plus strand). Cytogenetic location: 12p13.33.
Variant type: single nucleotide variant.
Coding change: c.2225-8A>C on transcript NM_000719.7 (MANE Select); 8 bases into the intron before coding-DNA position 2225, A replaced by C.
Molecular consequence: intron variant.
Genome position (GRCh38, 1-based): chr12:2,584,495, A>C. VCF-style: chr12-2584495-A-C. GRCh37 (hg19) VCF-style: chr12-2693661-A-C.
Other names: c.2225-8A>C (NM_001167625.2, NM_001129840.2, NM_199460.4 and 18 more transcripts); c.2216-8A>C (NM_001129844.2).
Identifiers: ClinVar variation 2575719 (VCV002575719.4), dbSNP rs1322731226, ClinGen allele CA686828103.